The following is an entry in ClinVar:

ClinVar aggregate classification (germline): Likely pathogenic (1 of 4 stars; one submission).

Conditions:
Jeune thoracic dystrophy. Also called: Jeune syndrome; Infantile thoracic dystrophy; Thoracic pelvic phalangeal dystrophy; Jeune's syndrome; Chondroectodermal dysplasia-like syndrome; Short-rib thoracic dysplasia. Identifiers: Orphanet 474, MedGen C0265275, MONDO:0018770.

Submission:

Labcorp Genetics (formerly Invitae), Labcorp
Classification: Likely pathogenic for Jeune thoracic dystrophy. Last evaluated: 2023-08-29. Review status: criteria provided, single submitter. Criteria: Invitae Variant Classification Sherloc (09022015). Collection method: clinical testing. Allele origin: germline.
Comment: The frequency data for this variant in the population databases is considered unreliable, as metrics indicate poor data quality at this position in the gnomAD database. In summary, the currently available evidence indicates that the variant is pathogenic, but additional data are needed to prove that conclusively. Therefore, this variant has been classified as Likely Pathogenic. This variant has not been reported in the literature in individuals affected with DYNC2H1-related conditions. This variant results in the deletion of part of exon 21 (c.2947-2_2949del) of the DYNC2H1 gene. It is expected to disrupt RNA splicing. Variants that disrupt the donor or acceptor splice site typically lead to a loss of protein function (PMID: 16199547), and loss-of-function variants in DYNC2H1 are known to be pathogenic (PMID: 23339108, 32753734, 33755199).

Literature cited by the submitters: PubMed 16199547; PubMed 23339108; PubMed 32753734; PubMed 33755199.

NM_001377.3(DYNC2H1):c.2947-2_2949del

Gene: DYNC2H1 (dynein cytoplasmic 2 heavy chain 1; plus strand). Cytogenetic location: 11q22.3.
Variant type: Deletion.
Coding change: c.2947-2_2949del on transcript NM_001377.3 (MANE Select); the canonical splice acceptor site of the intron before coding-DNA position 2947 through coding-DNA position 2949, 5 bases deleted (AGATT; older notation c.2947-2_2949delAGATT).
Molecular consequence: splice acceptor variant.
Genome position (GRCh38, 1-based): chr11:103,152,134-103,152,138, AGATT deleted; deleting any 5 consecutive bases within chr11:103,152,132-103,152,138 gives the same sequence; the c. name uses the placement nearest the transcript's 3' end. VCF-style (leftmost placement, unchanged base first): chr11-103152131-TTTAGA-T. GRCh37 (hg19) VCF-style: chr11-103022860-TTTAGA-T.
Other names: c.2947-2_2949del (NM_001080463.2).
Identifiers: ClinVar variation 2917261 (VCV002917261.3), dbSNP rs1449883752, ClinGen allele CA601240036.